The following is an entry in ClinVar:

NM_004082.5(DCTN1):c.2872T>G (p.Ser958Ala)

Gene: DCTN1 (dynactin subunit 1; minus strand). Cytogenetic location: 2p13.1.
Variant type: single nucleotide variant.
Coding change: c.2872T>G on transcript NM_004082.5 (MANE Select); coding-DNA position 2872, T replaced by G.
Protein change: p.Ser958Ala; replaces serine 958 with alanine.
Molecular consequence: missense variant. On other transcripts: non-coding transcript variant (1).
Genome position (GRCh38, 1-based): chr2:74,365,907, A>C on the plus strand (T>G on the coding strand, the complement: DCTN1 is on the minus strand). VCF-style: chr2-74365907-A-C. GRCh37 (hg19) VCF-style: chr2-74593034-A-C.
Other names: c.2812T>G, p.Ser938Ala (NM_001135040.3); c.2470T>G, p.Ser824Ala (NM_001135041.3, NM_023019.4); c.2761T>G, p.Ser921Ala (NM_001190836.2); c.2851T>G, p.Ser951Ala (NM_001190837.2); c.2821T>G, p.Ser941Ala (NM_001378991.1); c.2803T>G, p.Ser935Ala (NM_001378992.1); short protein forms S824A, S951A, S958A, S921A, S938A, S935A, S941A.
Identifiers: ClinVar variation 655677 (VCV000655677.11), dbSNP rs753405772, ClinGen allele CA50474877.

ClinVar aggregate classification (germline): Uncertain significance (1 of 4 stars; one submission).

Conditions:
Amyotrophic lateral sclerosis type 1 (ALS1). Also called: AMYOTROPHIC LATERAL SCLEROSIS 1, FAMILIAL. Identifiers: Orphanet 803, MedGen C1862939, MONDO:0007103, OMIM 105400.
Perry syndrome. Also called: PARKINSONISM WITH ALVEOLAR HYPOVENTILATION AND MENTAL DEPRESSION. Identifiers: Orphanet 178509, MedGen C1868594, MONDO:0008201, OMIM 168605.
Neuronopathy, distal hereditary motor, type 7B. Also called: Distal Hereditary Motor Neuronopathy Type 7B (dHMN7B); NEURONOPATHY, DISTAL HEREDITARY MOTOR, AUTOSOMAL DOMINANT 14; NEURONOPATHY, DISTAL HEREDITARY MOTOR, HARDING TYPE VIIB; NEUROPATHY, DISTAL HEREDITARY MOTOR, HARDING TYPE VIIB; NEUROPATHY, DISTAL HEREDITARY MOTOR, WITH VOCAL CORD PARALYSIS, HARDING TYPE VIIB; HMN VIIB. Identifiers: Orphanet 139589, MedGen C1843315, MONDO:0011879, OMIM 607641.

Allele frequency attached by ClinVar (database versions not stated): gnomAD exomes below 0.00001 and 0.00001; gnomAD 0.00002; TOPMed 0.00002.
gnomAD v4.1: 19 of 1,614,030 alleles (0.0012%); highest among the groups gnomAD compares: Non-Finnish European, 0.0015%; no homozygotes.

Submission:

Labcorp Genetics (formerly Invitae), Labcorp
Classification: Uncertain significance for Amyotrophic lateral sclerosis type 1; Neuronopathy, distal hereditary motor, type 7B; Perry syndrome. Last evaluated: 2025-10-26. Review status: criteria provided, single submitter. Criteria: Invitae Variant Classification Sherloc (09022015). Collection method: clinical testing. Allele origin: germline.
Comment: This sequence change replaces serine, which is neutral and polar, with alanine, which is neutral and non-polar, at codon 958 of the DCTN1 protein (p.Ser958Ala). This variant is present in population databases (rs753405772, gnomAD 0.0009%). This variant has not been reported in the literature in individuals affected with DCTN1-related conditions. ClinVar contains an entry for this variant (Variation ID: 655677). Invitae Evidence Modeling of protein sequence and biophysical properties (such as structural, functional, and spatial information, amino acid conservation, physicochemical variation, residue mobility, and thermodynamic stability) indicates that this missense variant is not expected to disrupt DCTN1 protein function with a negative predictive value of 95%. In summary, the available evidence is currently insufficient to determine the role of this variant in disease. Therefore, it has been classified as a Variant of Uncertain Significance.